The following is an entry in ClinVar:

ClinVar aggregate classification (germline): Uncertain significance (1 of 4 stars; one submission).

Allele frequency attached by ClinVar (database versions not stated): gnomAD exomes below 0.00001.
gnomAD v4.1: 1 of 1,614,212 alleles (0.000062%); highest among the groups gnomAD compares: Non-Finnish European, 0.000085%; no homozygotes.

Submission:

Labcorp Genetics (formerly Invitae), Labcorp
Classification: Uncertain significance. Last evaluated: 2023-02-26. Review status: criteria provided, single submitter. Criteria: Invitae Variant Classification Sherloc (09022015). Collection method: clinical testing. Allele origin: germline.
Comment: In summary, the available evidence is currently insufficient to determine the role of this variant in disease. Therefore, it has been classified as a Variant of Uncertain Significance. Advanced modeling of protein sequence and biophysical properties (such as structural, functional, and spatial information, amino acid conservation, physicochemical variation, residue mobility, and thermodynamic stability) performed at Invitae indicates that this missense variant is not expected to disrupt SRCAP protein function. This variant has not been reported in the literature in individuals affected with SRCAP-related conditions. This variant is not present in population databases (gnomAD no frequency). This sequence change replaces threonine, which is neutral and polar, with asparagine, which is neutral and polar, at codon 913 of the SRCAP protein (p.Thr913Asn).

NM_006662.3(SRCAP):c.2738C>A (p.Thr913Asn)

Gene: SRCAP (Snf2 related CREBBP activator protein; plus strand). Cytogenetic location: 16p11.2.
Variant type: single nucleotide variant.
Coding change: c.2738C>A on transcript NM_006662.3 (MANE Select); coding-DNA position 2738, C replaced by A.
Protein change: p.Thr913Asn; replaces threonine 913 with asparagine.
Molecular consequence: missense variant.
Genome position (GRCh38, 1-based): chr16:30,716,400, C>A. VCF-style: chr16-30716400-C-A. GRCh37 (hg19) VCF-style: chr16-30727721-C-A.
Other names: short protein forms T913N.
Identifiers: ClinVar variation 2841128 (VCV002841128.3), dbSNP rs2477797500, ClinGen allele CA395611288.